The following is an entry in ClinVar:

ClinVar aggregate classification (germline): Uncertain significance (1 of 4 stars; one submission).

Submission:

Labcorp Genetics (formerly Invitae), Labcorp
Classification: Uncertain significance. Last evaluated: 2022-09-01. Review status: criteria provided, single submitter. Criteria: Invitae Variant Classification Sherloc (09022015). Collection method: clinical testing. Allele origin: germline.
Comment: This variant has not been reported in the literature in individuals affected with CLUAP1-related conditions. This variant is a gross deletion of the genomic region encompassing exon(s) 1-4 of the CLUAP1 gene, which includes the initiator codon. This deletion extends beyond the assayed region for this gene and therefore may encompass additional genes. It is expected to result in an absent or disrupted protein product. However, the current clinical and genetic evidence is not sufficient to establish whether loss-of-function variants in CLUAP1 cause disease. Experimental studies and prediction algorithms are not available or were not evaluated, and the functional significance of this variant is currently unknown. In summary, the available evidence is currently insufficient to determine the role of this variant in disease. Therefore, it has been classified as a Variant of Uncertain Significance.

NC_000016.9:g.(?_3551068)_(3558488_?)del

Gene: CLUAP1 (clusterin associated protein 1; plus strand). Cytogenetic location: 16p13.3.
Variant type: Deletion.
Identifiers: ClinVar variation 2426039 (VCV002426039.4).